The following is an entry in ClinVar:

ClinVar aggregate classification (germline): Uncertain significance (1 of 4 stars; one submission).

gnomAD v4.1: 12 of 1,612,278 alleles (0.00074%); highest among the groups gnomAD compares: East Asian, 0.02%; no homozygotes.

Submission:

Ambry Genetics
Classification: Uncertain significance. Last evaluated: 2026-07-23. Review status: criteria provided, single submitter. Criteria: Ambry Variant Classification Scheme 2023. Collection method: clinical testing. Allele origin: germline.
Comment: The p.Y120H variant (also known as c.358T>C), located in coding exon 4 of the SRP72 gene, results from a T to C substitution at nucleotide position 358. The tyrosine at codon 120 is replaced by histidine, an amino acid with similar properties. This amino acid position is conserved. In addition, this alteration is predicted to be deleterious by in silico analysis. Based on the available evidence, the clinical significance of this variant remains unclear.

NM_006947.4(SRP72):c.358T>C (p.Tyr120His)

Gene: SRP72 (signal recognition particle 72; plus strand). Cytogenetic location: 4q12.
Variant type: single nucleotide variant.
Coding change: c.358T>C on transcript NM_006947.4 (MANE Select); coding-DNA position 358, T replaced by C.
Protein change: p.Tyr120His; replaces tyrosine 120 with histidine.
Molecular consequence: missense variant. On other transcripts: non-coding transcript variant (1).
Genome position (GRCh38, 1-based): chr4:56,474,057, T>C. VCF-style: chr4-56474057-T-C. GRCh37 (hg19) VCF-style: chr4-57340223-T-C.
Other names: c.358T>C, p.Tyr120His (NM_001267722.2); short protein forms Y120H.
Identifiers: ClinVar variation 5030241 (VCV005030241.1).
Genomic context (GRCh38, chr4:56,474,057, plus strand): 5'-ATTAAAGACATAACACCATATTTGTCTCTGATTTTTTACTTGCTATTTATTATTCAGTTA[T>C]ACCGTTTGGAACGCTATGATGAATGCTTAGCAGTGTATAGAGATCTCGTCCGAAACTCCC-3'
Protein context (NP_008878.3, residues 110-130): KLKELYGQVL[Tyr120His]RLERYDECLA